The following is an entry in ClinVar:

ClinVar aggregate classification (germline): Likely pathogenic (1 of 4 stars; one submission).

Conditions:
Biotinidase deficiency. Also called: BTD deficiency; Late-onset biotin-responsive multiple carboxylase deficiency; Biotin deficiency. Identifiers: Orphanet 79241, MedGen C0220754, MONDO:0009665, OMIM 253260.

Submission:

Myriad Genetics, Inc.
Classification: Likely pathogenic for Biotinidase deficiency. Last evaluated: 2026-03-23. Review status: criteria provided, single submitter. Criteria: Myriad Autosomal Dominant, Autosomal Recessive and X-Linked Classification Criteria (2023). Collection method: clinical testing. Allele origin: unknown.
Comment: NM_000060.2(BTD):c.190G>A(E64K) is a missense variant classified as likely pathogenic in the context of biotinidase deficiency. E64K has been observed in cases with relevant disease (PMID: 12359137, 17092467, 29995633, 35195902). Relevant functional assessments of this variant are not available in the literature. E64K has not been observed in referenced population frequency databases. In summary, NM_000060.2(BTD):c.190G>A(E64K) is a missense variant that has been observed more frequently in cases with the relevant disease than in healthy populations. Please note: this variant was assessed in the context of healthy population screening.

Literature cited by the submitters: PubMed 12359137; PubMed 17092467; PubMed 29995633; PubMed 35195902.

NM_001370658.1(BTD):c.130G>A (p.Glu44Lys)

Gene: BTD (biotinidase; plus strand). Cytogenetic location: 3p25.1.
Variant type: single nucleotide variant.
Coding change: c.130G>A on transcript NM_001370658.1 (MANE Select); coding-DNA position 130, G replaced by A.
Protein change: p.Glu44Lys; replaces glutamic acid 44 with lysine.
Molecular consequence: missense variant.
Genome position (GRCh38, 1-based): chr3:15,635,569, G>A. VCF-style: chr3-15635569-G-A. GRCh37 (hg19) VCF-style: chr3-15677076-G-A.
Other names: c.190G>A, p.Glu64Lys (NM_000060.4); c.130G>A, p.Glu44Lys (NM_001281723.4, NM_001281724.3, NM_001281725.3 and 37 more transcripts); short protein forms E44K.
Identifiers: ClinVar variation 5004906 (VCV005004906.1), dbSNP rs397514340.